The following is an entry in ClinVar:

ClinVar aggregate classification (germline): Uncertain significance (1 of 4 stars; one submission).

Submission:

Labcorp Genetics (formerly Invitae), Labcorp
Classification: Uncertain significance. Last evaluated: 2022-08-15. Review status: criteria provided, single submitter. Criteria: Invitae Variant Classification Sherloc (09022015). Collection method: clinical testing. Allele origin: germline.
Comment: This sequence change replaces aspartic acid, which is acidic and polar, with asparagine, which is neutral and polar, at codon 217 of the UROS protein (p.Asp217Asn). This variant is present in population databases (rs755842053, gnomAD 0.01%). This variant has not been reported in the literature in individuals affected with UROS-related conditions. ClinVar contains an entry for this variant (Variation ID: 1482309). Algorithms developed to predict the effect of missense changes on protein structure and function output the following: SIFT: "Tolerated"; PolyPhen-2: "Benign"; Align-GVGD: "Class C0". The asparagine amino acid residue is found in multiple mammalian species, which suggests that this missense change does not adversely affect protein function. In summary, the available evidence is currently insufficient to determine the role of this variant in disease. Therefore, it has been classified as a Variant of Uncertain Significance.

NM_000375.3(UROS):c.649G>A (p.Asp217Asn)

Gene: UROS (uroporphyrinogen III synthase; minus strand). Cytogenetic location: 10q26.2.
Variant type: single nucleotide variant.
Coding change: c.649G>A on transcript NM_000375.3 (MANE Select); coding-DNA position 649, G replaced by A.
Protein change: p.Asp217Asn; replaces aspartic acid 217 with asparagine.
Molecular consequence: missense variant. On other transcripts: non-coding transcript variant (4).
Genome position (GRCh38, 1-based): chr10:125,794,891, C>T on the plus strand (G>A on the coding strand, the complement: UROS is on the minus strand). VCF-style: chr10-125794891-C-T. GRCh37 (hg19) VCF-style: chr10-127483460-C-T.
Other names: c.649G>A, p.Asp217Asn (NM_001324036.2); c.568G>A, p.Asp190Asn (NM_001324037.2, NM_001324038.2); short protein forms D190N, D217N.
Identifiers: ClinVar variation 1482309 (VCV001482309.8), dbSNP rs755842053, ClinGen allele CA5738366.
Genomic context (GRCh38, chr10:125,794,891, plus strand): 5'-AAAAAAAAAAAGAATCTGAAAAAGACCAAAAGCTCATTGAATAACTTACCTTAATTTGAT[C>T]GATATTGTCACCAGATAACTCCTGAATGTGCTTGAGACTGTATGTGAGGCCAGAGGGACT-3'
Protein context (NP_000366.1, residues 207-227): HIQELSGDNI[Asp217Asn]QIKFAAIGPT